The following is an entry in ClinVar:

NM_003001.5(SDHC):c.61C>G (p.Gln21Glu)

Gene: SDHC (succinate dehydrogenase complex subunit C; plus strand). Cytogenetic location: 1q23.3.
Variant type: single nucleotide variant.
Coding change: c.61C>G on transcript NM_003001.5 (MANE Select); coding-DNA position 61, C replaced by G.
Protein change: p.Gln21Glu; replaces glutamine 21 with glutamic acid.
Molecular consequence: missense variant. On other transcripts: 5 prime UTR variant (2), non-coding transcript variant (1), intron variant (4).
Genome position (GRCh38, 1-based): chr1:161,323,654, C>G. VCF-style: chr1-161323654-C-G. GRCh37 (hg19) VCF-style: chr1-161293444-C-G.
Other names: c.61C>G, p.Gln21Glu (NM_001035511.3, NM_001035512.3, NM_001278172.3 and 2 more transcripts); c.-51C>G (NM_001407119.1); c.-169C>G (NM_001407120.1); c.21-4742C>G (NM_001407116.1, NM_001407121.1, NM_001407117.1); c.20+9229C>G (NM_001035513.3); short protein forms Q21E.
Identifiers: ClinVar variation 480864 (VCV000480864.18), dbSNP rs1553261768, ClinGen allele CA343359552.

ClinVar aggregate classification (germline): Uncertain significance. Review status: criteria provided, multiple submitters, no conflicts (2 of 4 stars). 4 submissions from 4 submitters: Uncertain significance (4). Last evaluated 2025-09-12.

Conditions:
Hereditary pheochromocytoma and paraganglioma. Also called: Hereditary Paraganglioma-Pheochromocytoma Syndromes; Hereditary paragangliomas and pheochromocytomas; Hereditary pheochromocytoma-paraganglioma. Identifiers: Orphanet 29072, MedGen C4274332, MONDO:0017366.
Hereditary cancer-predisposing syndrome. Also called: Tumor predisposition; Hereditary neoplastic syndrome; Neoplastic Syndromes, Hereditary; Hereditary Cancer Syndrome. Identifiers: Orphanet 140162, MedGen C0027672, MeSH D009386, MONDO:0015356.
Pheochromocytoma/paraganglioma syndrome 3. Also called: SDHC-Related Hereditary Paraganglioma-Pheochromocytoma Syndrome (Paragangliomas 3); GLOMUS TUMORS, FAMILIAL, 3; SDHC-Related Hereditary Paraganglioma-Pheochromocytoma Syndrome; Paragangliomas 3. Identifiers: Orphanet 29072, MedGen C1854336, MONDO:0011544, OMIM 605373.
Gastrointestinal stromal tumor. Also called: Gastrointestinal stroma tumor; Gastrointestinal stromal tumor, somatic. Identifiers: Orphanet 44890, MedGen C0238198, MeSH D046152, MONDO:0011719, OMIM 606764, HP:0100723.

Allele frequency attached by ClinVar (database versions not stated): gnomAD exomes below 0.00001; TOPMed 0.00001.
gnomAD v4.1: 5 of 1,612,280 alleles (0.00031%); highest among the groups gnomAD compares: Non-Finnish European, 0.00034%; no homozygotes.

Submissions (4):

Ambry Genetics
Classification: Uncertain significance for Hereditary cancer-predisposing syndrome. Last evaluated: 2025-09-12. Review status: criteria provided, single submitter. Criteria: Ambry Variant Classification Scheme 2023. Collection method: clinical testing. Allele origin: germline.
Comment: The p.Q21E variant (also known as c.61C>G), located in coding exon 2 of the SDHC gene, results from a C to G substitution at nucleotide position 61. The glutamine at codon 21 is replaced by glutamic acid, an amino acid with highly similar properties. This amino acid position is not well conserved in available vertebrate species. In addition, the in silico prediction for this alteration is inconclusive. Since supporting evidence is limited at this time, the clinical significance of this alteration remains unclear.

Labcorp Genetics (formerly Invitae), Labcorp
Classification: Uncertain significance for Pheochromocytoma/paraganglioma syndrome 3; Gastrointestinal stromal tumor. Last evaluated: 2024-06-05. Review status: criteria provided, single submitter. Criteria: Invitae Variant Classification Sherloc (09022015). Collection method: clinical testing. Allele origin: germline.
Comment: This sequence change replaces glutamine, which is neutral and polar, with glutamic acid, which is acidic and polar, at codon 21 of the SDHC protein (p.Gln21Glu). This variant is not present in population databases (gnomAD no frequency). This variant has not been reported in the literature in individuals affected with SDHC-related conditions. ClinVar contains an entry for this variant (Variation ID: 480864). An algorithm developed to predict the effect of missense changes on protein structure and function (PolyPhen-2) suggests that this variant is likely to be tolerated. In summary, the available evidence is currently insufficient to determine the role of this variant in disease. Therefore, it has been classified as a Variant of Uncertain Significance.

GeneDx
Classification: Uncertain significance. Last evaluated: 2024-01-02. Review status: criteria provided, single submitter. Criteria: GeneDx Variant Classification Process June 2021. Collection method: clinical testing. Allele origin: germline. Affected: yes.
Comment: Not observed at significant frequency in large population cohorts (gnomAD); In silico analysis supports that this missense variant does not alter protein structure/function; Has not been previously published as pathogenic or benign to our knowledge

All of Us Research Program, National Institutes of Health
Classification: Uncertain significance for Hereditary pheochromocytoma and paraganglioma. Last evaluated: 2023-03-04. Review status: criteria provided, single submitter. Criteria: ACMG Guidelines, 2015. Collection method: clinical testing. Allele origin: germline. Inheritance: Autosomal dominant inheritance. Observed: 1 variant allele, 1 heterozygote.
Comment: This study involves interpretation of variants in research participants for the purpose of population health screening. Participant phenotype was not available at the time of variant classification. Additional details can be found in publication PMID: 35346344, PMCID: PMC8962531